The following is an entry in ClinVar:

ClinVar aggregate classification (germline): Benign/Likely benign. Review status: criteria provided, multiple submitters, no conflicts (2 of 4 stars). 7 submissions from 7 submitters: Benign (1); Likely benign (4). 2 of the submissions do not count toward it. Last evaluated 2026-02-01.

Conditions:
Cardiovascular phenotype. Identifiers: MedGen CN230736.
Dilated cardiomyopathy 1O (CMD1O). Also called: CARDIOMYOPATHY, DILATED, WITH VENTRICULAR TACHYCARDIA. Identifiers: Orphanet 154, MedGen C1837839, MONDO:0012062, OMIM 608569.

Allele frequency attached by ClinVar (database versions not stated): gnomAD 0.00002; gnomAD exomes 0.00004 and 0.00009; TOPMed 0.00005; ExAC 0.00014.
gnomAD v4.1: 64 of 1,613,990 alleles (0.004%); highest among the groups gnomAD compares: Non-Finnish European, 0.0051%; no homozygotes.

Submissions (7):

CeGaT Center for Human Genetics Tuebingen
Classification: Likely benign. Last evaluated: 2026-02-01. Review status: criteria provided, single submitter. Criteria: CeGaT Center For Human Genetics Tuebingen Variant Classification Criteria Version 2. Collection method: clinical testing. Allele origin: germline. Affected: yes. Observed: 1 variant allele.
Comment: ABCC9: BP4, BP7

Labcorp Genetics (formerly Invitae), Labcorp
Classification: Likely benign for Dilated cardiomyopathy 1O. Last evaluated: 2026-01-14. Review status: criteria provided, single submitter. Criteria: Invitae Variant Classification Sherloc (09022015). Collection method: clinical testing. Allele origin: germline.

Blueprint Genetics
Classification: Likely benign. Last evaluated: 2024-05-20. Review status: criteria provided, single submitter. Criteria: ACMG Guidelines, 2015. Collection method: clinical testing. Allele origin: germline.

Women's Health and Genetics/Laboratory Corporation of America, LabCorp
Classification: Benign. Last evaluated: 2021-12-04. Review status: criteria provided, single submitter. Criteria: LabCorp Variant Classification Summary - May 2015. Collection method: clinical testing. Allele origin: germline.

Ambry Genetics
Classification: Likely benign for Cardiovascular phenotype. Last evaluated: 2020-08-07. Review status: criteria provided, single submitter. Criteria: Ambry Variant Classification Scheme 2023. Collection method: clinical testing. Allele origin: germline.

Clinical Genetics DNA and cytogenetics Diagnostics Lab, Erasmus MC, Erasmus Medical Center
Classification: Likely benign. Review status: no assertion criteria provided. Collection method: clinical testing. Allele origin: germline. Affected: yes. Study: VKGL Data-share Consensus. Not counted in ClinVar's aggregate classification.

Genome Diagnostics Laboratory, University Medical Center Utrecht
Classification: Likely benign. Review status: no assertion criteria provided. Collection method: clinical testing. Allele origin: germline. Affected: yes. Study: VKGL Data-share Consensus. Not counted in ClinVar's aggregate classification.

NM_020297.4(ABCC9):c.3331T>C (p.Leu1111=)

Gene: ABCC9 (ATP binding cassette subfamily C member 9; minus strand). Cytogenetic location: 12p12.1.
Variant type: single nucleotide variant.
Coding change: c.3331T>C on transcript NM_020297.4 (MANE Select); coding-DNA position 3331, T replaced by C.
Protein change: p.Leu1111=; no amino-acid change (leucine 1111 retained).
Molecular consequence: synonymous variant.
Genome position (GRCh38, 1-based): chr12:21,842,456, A>G on the plus strand (T>C on the coding strand, the complement: ABCC9 is on the minus strand). VCF-style: chr12-21842456-A-G. GRCh37 (hg19) VCF-style: chr12-21995390-A-G.
Other names: c.3331T>C, p.Leu1111= (NM_001377273.1, NM_005691.4); c.2464T>C, p.Leu822= (NM_001377274.1).
Identifiers: ClinVar variation 416405 (VCV000416405.32), dbSNP rs764155671, ClinGen allele CA6481120.